The following is an entry in ClinVar:

NM_001127198.5(TMC6):c.969G>A (p.Leu323=)

Gene: TMC6 (transmembrane channel like 6; minus strand). Cytogenetic location: 17q25.3.
Variant type: single nucleotide variant.
Coding change: c.969G>A on transcript NM_001127198.5 (MANE Select); coding-DNA position 969, G replaced by A.
Protein change: p.Leu323=; no amino-acid change (leucine 323 retained).
Molecular consequence: synonymous variant. On other transcripts: non-coding transcript variant (4).
Genome position (GRCh38, 1-based): chr17:78,124,102, C>T on the plus strand (G>A on the coding strand, the complement: TMC6 is on the minus strand). VCF-style: chr17-78124102-C-T. GRCh37 (hg19) VCF-style: chr17-76120183-C-T.
Other names: c.969G>A, p.Leu323= (NM_001321185.1, NM_001374593.1, NM_001374594.1 and 4 more transcripts).
Identifiers: ClinVar variation 719428 (VCV000719428.14), dbSNP rs139035008, ClinGen allele CA8795923.

ClinVar aggregate classification (germline): Benign/Likely benign. Review status: criteria provided, multiple submitters, no conflicts (2 of 4 stars). 3 submissions from 3 submitters: Benign (1); Likely benign (1). 1 of the submissions does not count toward it. Last evaluated 2025-12-19.

Conditions:
TMC6-related disorder. Also called: TMC6-related condition.
Epidermodysplasia verruciformis. Identifiers: Orphanet 302, MedGen C0014522, MONDO:0009176.

Allele frequency attached by ClinVar (database versions not stated): gnomAD 0.00029 and 0.00044; gnomAD exomes 0.00033 and 0.00072; TOPMed 0.00058; ExAC 0.00070; 1000 Genomes Project 30x 0.00234; 1000 Genomes Project 0.00280.
gnomAD v4.1: 553 of 1,613,276 alleles (0.034%); highest among the groups gnomAD compares: East Asian, 0.94%; 3 homozygotes.

Submissions (3):

Labcorp Genetics (formerly Invitae), Labcorp
Classification: Benign for Epidermodysplasia verruciformis. Last evaluated: 2025-12-19. Review status: criteria provided, single submitter. Criteria: Invitae Variant Classification Sherloc (09022015). Collection method: clinical testing. Allele origin: germline.

Blueprint Genetics
Classification: Likely benign. Last evaluated: 2024-10-28. Review status: criteria provided, single submitter. Criteria: ACMG Guidelines, 2015. Collection method: clinical testing. Allele origin: germline.

PreventionGenetics, part of Exact Sciences
Classification: Likely benign for TMC6-related condition. Last evaluated: 2019-03-29. Review status: no assertion criteria provided. Collection method: clinical testing. Allele origin: germline. Not counted in ClinVar's aggregate classification.
Comment: This variant is classified as likely benign based on ACMG/AMP sequence variant interpretation guidelines (Richards et al. 2015 PMID: 25741868, with internal and published modifications).